The following is an entry in ClinVar:

NM_000159.4(GCDH):c.1085C>A (p.Ala362Asp)

Gene: GCDH (glutaryl-CoA dehydrogenase; plus strand). Cytogenetic location: 19p13.13.
Variant type: single nucleotide variant.
Coding change: c.1085C>A on transcript NM_000159.4 (MANE Select); coding-DNA position 1085, C replaced by A.
Protein change: p.Ala362Asp; replaces alanine 362 with aspartic acid.
Molecular consequence: missense variant. On other transcripts: non-coding transcript variant (2).
Genome position (GRCh38, 1-based): chr19:12,897,705, C>A. VCF-style: chr19-12897705-C-A. GRCh37 (hg19) VCF-style: chr19-13008519-C-A.
Other names: c.1085C>A, p.Ala362Asp (NM_013976.5); short protein forms A362D.
Identifiers: ClinVar variation 459946 (VCV000459946.41), dbSNP rs114759170, ClinGen allele CA9234612.

ClinVar aggregate classification (germline): Benign/Likely benign. Review status: criteria provided, multiple submitters, no conflicts (2 of 4 stars). 9 submissions from 9 submitters: Benign (3); Likely benign (4). 2 of the submissions do not count toward it. Last evaluated 2026-01-28.

Conditions:
GCDH-related disorder. Also called: GCDH-related condition.
Inborn genetic diseases. Identifiers: MedGen C0950123, MeSH D030342.
Glutaric aciduria, type 1. Also called: GA I; Glutaryl-CoA dehydrogenase deficiency; Glutaric acidemia type I; Glutaricacidemia Type 1; Glutaricaciduria, type I; Glutaric Acidemia Type 1. Identifiers: Orphanet 25, MedGen C0268595, MONDO:0009281, OMIM 231670.

Allele frequency attached by ClinVar (database versions not stated): ExAC 0.00140; ESP Exome Variant Server 0.00392; gnomAD 0.00428 and 0.00453; TOPMed 0.00487; 1000 Genomes Project 30x 0.00562; 1000 Genomes Project 0.00599.

Submissions (9):

Labcorp Genetics (formerly Invitae), Labcorp
Classification: Benign for Glutaric aciduria, type 1. Last evaluated: 2026-01-28. Review status: criteria provided, single submitter. Criteria: Invitae Variant Classification Sherloc (09022015). Collection method: clinical testing. Allele origin: germline.

CeGaT Center for Human Genetics Tuebingen
Classification: Benign. Last evaluated: 2025-10-01. Review status: criteria provided, single submitter. Criteria: CeGaT Center For Human Genetics Tuebingen Variant Classification Criteria Version 2. Collection method: clinical testing. Allele origin: germline. Affected: yes. Observed: 1 variant allele.
Comment: GCDH: BS1, BS2

Blueprint Genetics
Classification: Likely benign. Last evaluated: 2024-11-25. Review status: criteria provided, single submitter. Criteria: ACMG Guidelines, 2015. Collection method: clinical testing. Allele origin: germline.

Ambry Genetics
Classification: Likely benign for Inborn genetic diseases. Last evaluated: 2021-08-11. Review status: criteria provided, single submitter. Criteria: Ambry Variant Classification Scheme 2023. Collection method: clinical testing. Allele origin: germline.

GeneDx
Classification: Benign. Last evaluated: 2018-06-11. Review status: criteria provided, single submitter. Criteria: GeneDx Variant Classification Process June 2021. Collection method: clinical testing. Allele origin: germline. Affected: yes.

Illumina Laboratory Services, Illumina
Classification: Likely benign for Glutaric aciduria, type 1. Last evaluated: 2018-01-12. Review status: criteria provided, single submitter. Criteria: ICSL Variant Classification Criteria 13 December 2019. Collection method: clinical testing. Allele origin: germline.
Comment: This variant was observed in the ICSL laboratory as part of a predisposition screen in an ostensibly healthy population. It had not been previously curated by ICSL or reported in the Human Gene Mutation Database (HGMD: prior to June 1st, 2018), and was therefore a candidate for classification through an automated scoring system. Utilizing variant allele frequency, disease prevalence and penetrance estimates, and inheritance mode, an automated score was calculated to assess if this variant is too frequent to cause the disease. Based on the score and internal cut-off values, a variant classified as likely benign is not then subjected to further curation. The score for this variant resulted in a classification of likely benign for this disease.

Breakthrough Genomics
Classification: Likely benign. Review status: criteria provided, single submitter. Criteria: ACMG Guidelines, 2015. Collection method: not provided. Allele origin: germline. Inheritance: Autosomal recessive inheritance. Affected: yes.

Natera, Inc.
Classification: Benign for Glutaric acidemia type 1. Last evaluated: 2019-12-12. Review status: no assertion criteria provided. Collection method: clinical testing. Allele origin: germline. Not counted in ClinVar's aggregate classification.

PreventionGenetics, part of Exact Sciences
Classification: Likely benign for GCDH-related condition. Last evaluated: 2019-03-22. Review status: no assertion criteria provided. Collection method: clinical testing. Allele origin: germline. Not counted in ClinVar's aggregate classification.
Comment: This variant is classified as likely benign based on ACMG/AMP sequence variant interpretation guidelines (Richards et al. 2015 PMID: 25741868, with internal and published modifications).